The following is an entry in ClinVar:

ClinVar aggregate classification (germline): Likely pathogenic (1 of 4 stars; one submission).

gnomAD v4.1: 3 of 1,613,676 alleles (0.00019%); highest among the groups gnomAD compares: Non-Finnish European, 0.00025%; no homozygotes.

Submission:

Labcorp Genetics (formerly Invitae), Labcorp
Classification: Likely pathogenic. Last evaluated: 2026-01-11. Review status: criteria provided, single submitter. Criteria: Invitae Variant Classification Sherloc (09022015). Collection method: clinical testing. Allele origin: germline.
Comment: This sequence change affects a donor splice site in intron 10 of the ATP6V0A4 gene. It is expected to disrupt RNA splicing. Variants that disrupt the donor or acceptor splice site typically lead to a loss of protein function (PMID: 16199547), and loss-of-function variants in ATP6V0A4 are known to be pathogenic (PMID: 12414817, 16611712). This variant is present in population databases (rs766296786, gnomAD 0.002%). This variant has not been reported in the literature in individuals affected with ATP6V0A4-related conditions. Algorithms developed to predict the effect of sequence changes on RNA splicing suggest that this variant may disrupt the consensus splice site. In summary, the currently available evidence indicates that the variant is pathogenic, but additional data are needed to prove that conclusively. Therefore, this variant has been classified as Likely Pathogenic.

Literature cited by the submitters: PubMed 16199547; PubMed 12414817; PubMed 16611712.

NM_020632.3(ATP6V0A4):c.816+2T>C

Gene: ATP6V0A4 (ATPase H+ transporting V0 subunit a4; minus strand). Cytogenetic location: 7q34.
Variant type: single nucleotide variant.
Coding change: c.816+2T>C on transcript NM_020632.3 (MANE Select); the canonical splice donor site of the intron after coding-DNA position 816, T replaced by C.
Molecular consequence: splice donor variant.
Genome position (GRCh38, 1-based): chr7:138,755,687, A>G on the plus strand (T>C on the coding strand, the complement: ATP6V0A4 is on the minus strand). VCF-style: chr7-138755687-A-G. GRCh37 (hg19) VCF-style: chr7-138440432-A-G.
Other names: c.816+2T>C (NM_130840.3, NM_130841.3).
Identifiers: ClinVar variation 4773442 (VCV004773442.1).